The following is an entry in ClinVar:

ClinVar aggregate classification (germline): Uncertain significance (1 of 4 stars; one submission).

Conditions:
Ataxia-telangiectasia syndrome (AT). Also called: ATAXIA-TELANGIECTASIA, COMPLEMENTATION GROUP A; ATAXIA-TELANGIECTASIA, FRESNO VARIANT; Ataxia-telangiectasia; Ataxia-telangiectasia, complementation group D; AT, COMPLEMENTATION GROUP C; Ataxia-telangiectasia, complementation group E. Identifiers: Orphanet 100, MedGen C0004135, MONDO:0008840, OMIM 208900.

Allele frequency attached by ClinVar (database versions not stated): gnomAD exomes below 0.00001.
gnomAD v4.1: 1 of 1,614,026 alleles (0.000062%); highest among the groups gnomAD compares: South Asian, 0.0011%; no homozygotes.

Submission:

Labcorp Genetics (formerly Invitae), Labcorp
Classification: Uncertain significance for Ataxia-telangiectasia syndrome. Last evaluated: 2021-10-12. Review status: criteria provided, single submitter. Criteria: Invitae Variant Classification Sherloc (09022015). Collection method: clinical testing. Allele origin: germline.
Comment: This sequence change replaces aspartic acid with glycine at codon 894 of the ATM protein (p.Asp894Gly). The aspartic acid residue is moderately conserved and there is a moderate physicochemical difference between aspartic acid and glycine. This variant is not present in population databases (ExAC no frequency). This variant has not been reported in the literature in individuals affected with ATM-related conditions. Algorithms developed to predict the effect of missense changes on protein structure and function are either unavailable or do not agree on the potential impact of this missense change (SIFT: "Tolerated"; PolyPhen-2: "Possibly Damaging"; Align-GVGD: "Class C0"). Algorithms developed to predict the effect of sequence changes on RNA splicing suggest that this variant may create or strengthen a splice site. In summary, the available evidence is currently insufficient to determine the role of this variant in disease. Therefore, it has been classified as a Variant of Uncertain Significance.

NM_000051.4(ATM):c.2681A>G (p.Asp894Gly)

Gene: ATM (ATM serine/threonine kinase; plus strand). Cytogenetic location: 11q22.3.
Variant type: single nucleotide variant.
Coding change: c.2681A>G on transcript NM_000051.4 (MANE Select); coding-DNA position 2681, A replaced by G.
Protein change: p.Asp894Gly; replaces aspartic acid 894 with glycine.
Molecular consequence: missense variant.
Genome position (GRCh38, 1-based): chr11:108,268,452, A>G. VCF-style: chr11-108268452-A-G. GRCh37 (hg19) VCF-style: chr11-108139179-A-G.
Other names: c.2681A>G, p.Asp894Gly (NM_001351834.2); short protein forms D894G.
Identifiers: ClinVar variation 524330 (VCV000524330.4), dbSNP rs113482790, ClinGen allele CA228407571.